The following is an entry in ClinVar:

NM_001349008.3(CC2D2B):c.1992C>T (p.Leu664=)

Genes: CC2D2B (coiled-coil and C2 domain containing 2B; plus strand), ENTPD1-AS1 (ENTPD1 antisense RNA 1; minus strand). Cytogenetic location: 10q24.1.
Variant type: single nucleotide variant.
Coding change: c.1992C>T on transcript NM_001349008.3 (MANE Select); coding-DNA position 1992, C replaced by T.
Protein change: p.Leu664=; no amino-acid change (leucine 664 retained).
Molecular consequence: synonymous variant.
Genome position (GRCh38, 1-based): chr10:95,982,023, C>T. VCF-style: chr10-95982023-C-T. GRCh37 (hg19) VCF-style: chr10-97741780-C-T.
Identifiers: ClinVar variation 2640723 (VCV002640723.22), dbSNP rs146883214, ClinGen allele CA5621800.

ClinVar aggregate classification (germline): Likely benign (1 of 4 stars; one submission).

Allele frequency attached by ClinVar (database versions not stated): 1000 Genomes Project 0.00140; 1000 Genomes Project 30x 0.00141; TOPMed 0.00247; ExAC 0.00257; gnomAD 0.00320; gnomAD exomes 0.00444.
gnomAD v4.1: 5,340 of 1,230,142 alleles (0.43%); highest among the groups gnomAD compares: South Asian, 0.62%; 28 homozygotes.

Submission:

CeGaT Center for Human Genetics Tuebingen
Classification: Likely benign. Last evaluated: 2022-05-01. Review status: criteria provided, single submitter. Criteria: CeGaT Center For Human Genetics Tuebingen Variant Classification Criteria Version 2. Collection method: clinical testing. Allele origin: germline. Affected: yes. Observed: 1 variant allele.
Comment: CC2D2B: BP4, BP7